The following is an entry in ClinVar:

NM_002350.4(LYN):c.608G>T (p.Cys203Phe)

Gene: LYN (LYN proto-oncogene, Src family tyrosine kinase; plus strand). Cytogenetic location: 8q12.1.
Variant type: single nucleotide variant.
Coding change: c.608G>T on transcript NM_002350.4 (MANE Select); coding-DNA position 608, G replaced by T.
Protein change: p.Cys203Phe; replaces cysteine 203 with phenylalanine.
Molecular consequence: missense variant.
Genome position (GRCh38, 1-based): chr8:55,952,086, G>T. VCF-style: chr8-55952086-G-T. GRCh37 (hg19) VCF-style: chr8-56864645-G-T.
Other names: c.545G>T, p.Cys182Phe (NM_001111097.3); short protein forms C182F, C203F.
Identifiers: ClinVar variation 2758988 (VCV002758988.3), dbSNP rs993632078, ClinGen allele CA371281573.

ClinVar aggregate classification (germline): Uncertain significance (1 of 4 stars; one submission).

Submission:

Labcorp Genetics (formerly Invitae), Labcorp
Classification: Uncertain significance. Last evaluated: 2023-09-08. Review status: criteria provided, single submitter. Criteria: Invitae Variant Classification Sherloc (09022015). Collection method: clinical testing. Allele origin: germline.
Comment: In summary, the available evidence is currently insufficient to determine the role of this variant in disease. Therefore, it has been classified as a Variant of Uncertain Significance. An algorithm developed to predict the effect of missense changes on protein structure and function (PolyPhen-2) suggests that this variant is likely to be tolerated. This variant has not been reported in the literature in individuals affected with LYN-related conditions. This variant is not present in population databases (gnomAD no frequency). This sequence change replaces cysteine, which is neutral and slightly polar, with phenylalanine, which is neutral and non-polar, at codon 203 of the LYN protein (p.Cys203Phe).